The following is an entry in ClinVar:

ClinVar aggregate classification (germline): Pathogenic/Likely pathogenic. Review status: criteria provided, multiple submitters, no conflicts (2 of 4 stars). 2 submissions from 2 submitters: Pathogenic (1); Likely pathogenic (1). Last evaluated 2019-07-17.

Conditions:
Renal cysts and diabetes syndrome (RCAD). Also called: Familial hypoplastic, glomerulocystic kidney; MATURITY-ONSET DIABETES OF THE YOUNG, TYPE 5. Identifiers: Orphanet 93111, MedGen C0431693, MONDO:0007669, OMIM 137920.
Maturity-onset diabetes of the young (MODY). Also called: Maturity onset diabetes mellitus in young. Identifiers: Orphanet 552, MedGen C0342276, MONDO:0018911, HP:0004904.

Submissions (2):

Molecular Diagnostics Laboratory, M Health Fairview: University of Minnesota
Classification: Likely pathogenic for Renal cysts and diabetes syndrome. Last evaluated: 2019-07-17. Review status: criteria provided, single submitter. Criteria: ACMG Guidelines, 2015. Collection method: clinical testing. Allele origin: germline. Affected: yes. Observed: 1 variant allele.

Clinical Genomics, Uppaluri K&H Personalized Medicine Clinic
Classification: Pathogenic for Maturity-onset diabetes of the young. Review status: criteria provided, single submitter. Criteria: K & H Uppaluri Personalized Medicine Clinic Variant Classification & Assertion Criteria_Updated V.1. Collection method: research. Allele origin: unknown. Inheritance: Autosomal dominant inheritance.
Comment: HNF1B gene mutations are associated with early onset diabetes and pancreatic atrophy. It is also associated with multiple renal manifestations including renal cysts, Tubulointerstitial disease, glomerulocystic disease, renal hypoplasia, hypomagnesemia. However no sufficient evidence is found to ascertain the role of this particular variant rs1598840996, yet.

Literature cited by the submitters: PubMed 24897035 (cited by Clinical Genomics, Uppaluri K&H Personalized Medicine Clinic); PubMed 25536396 (cited by Clinical Genomics, Uppaluri K&H Personalized Medicine Clinic); PubMed 27615128 (cited by Clinical Genomics, Uppaluri K&H Personalized Medicine Clinic); PubMed 28215227 (cited by Clinical Genomics, Uppaluri K&H Personalized Medicine Clinic); PubMed 33434175 (cited by Clinical Genomics, Uppaluri K&H Personalized Medicine Clinic); PubMed 25741167 (cited by Clinical Genomics, Uppaluri K&H Personalized Medicine Clinic); PubMed 26340261 (cited by Clinical Genomics, Uppaluri K&H Personalized Medicine Clinic); PubMed 19639018 (cited by Clinical Genomics, Uppaluri K&H Personalized Medicine Clinic).

NM_000458.4(HNF1B):c.896G>A (p.Trp299Ter)

Gene: HNF1B (HNF1 homeobox B; minus strand). Cytogenetic location: 17q12.
Variant type: single nucleotide variant.
Coding change: c.896G>A on transcript NM_000458.4 (MANE Select); coding-DNA position 896, G replaced by A.
Protein change: p.Trp299Ter; replaces tryptophan 299 with a stop codon.
Molecular consequence: nonsense.
Genome position (GRCh38, 1-based): chr17:37,731,744, C>T on the plus strand (G>A on the coding strand, the complement: HNF1B is on the minus strand). VCF-style: chr17-37731744-C-T. GRCh37 (hg19) VCF-style: chr17-36091735-C-T.
Other names: c.818G>A, p.Trp273Ter (NM_001165923.4, NM_001304286.2); short protein forms W273*, W299*.
Identifiers: ClinVar variation 692161 (VCV000692161.2), dbSNP rs1598840996, ClinGen allele CA398746813.
Genomic context (GRCh38, chr17:37,731,744, plus strand): 5'-CTATAGGCGTCCATGGCCAGCTTTTGCCGGAATGCCTCCTCCTTCCTGCGGTTTGCAAAC[C>T]AGTTGTAGACACGGACCTCAGTGACCAAGTTGGAGCCCAGGCCGTGGGCTTTGGAGGGGG-3'